The following is an entry in ClinVar:

NM_004380.3(CREBBP):c.2726C>G (p.Ala909Gly)

Gene: CREBBP (CREB binding lysine acetyltransferase; minus strand). Cytogenetic location: 16p13.3.
Variant type: single nucleotide variant.
Coding change: c.2726C>G on transcript NM_004380.3 (MANE Select); coding-DNA position 2726, C replaced by G.
Protein change: p.Ala909Gly; replaces alanine 909 with glycine.
Molecular consequence: missense variant.
Genome position (GRCh38, 1-based): chr16:3,770,724, G>C on the plus strand (C>G on the coding strand, the complement: CREBBP is on the minus strand). VCF-style: chr16-3770724-G-C. GRCh37 (hg19) VCF-style: chr16-3820725-G-C.
Other names: c.2726C>G (NM_004380.2); c.2612C>G, p.Ala871Gly (NM_001079846.1); short protein forms A871G, A909G.
Identifiers: ClinVar variation 2007971 (VCV002007971.5), dbSNP rs757905988, ClinGen allele CA394551021.

ClinVar aggregate classification (germline): Uncertain significance. Review status: criteria provided, multiple submitters, no conflicts (2 of 4 stars). 2 submissions from 2 submitters: Uncertain significance (2). Last evaluated 2025-10-07.

Conditions:
CREBBP-related disorder. Also called: CREBBP-related disorders; CREBBP-related condition.
Rubinstein-Taybi syndrome (RSTS). Identifiers: Orphanet 783, MedGen C0035934, MONDO:0019188.

Submissions (2):

PreventionGenetics, part of Exact Sciences
Classification: Uncertain significance for CREBBP-related condition. Last evaluated: 2025-10-07. Review status: criteria provided, single submitter. Criteria: ACMG Guidelines, 2015. Collection method: clinical testing. Allele origin: germline.
Comment: The CREBBP c.2726C>G variant is predicted to result in the amino acid substitution p.Ala909Gly. To our knowledge, this variant has not been reported in the literature or in a large population database (gnomAD), indicating this variant is rare. At this time, the clinical significance of this variant is uncertain due to the absence of conclusive functional and genetic evidence.

Labcorp Genetics (formerly Invitae), Labcorp
Classification: Uncertain significance for Rubinstein-Taybi syndrome. Last evaluated: 2022-06-18. Review status: criteria provided, single submitter. Criteria: Invitae Variant Classification Sherloc (09022015). Collection method: clinical testing. Allele origin: germline.
Comment: Advanced modeling of protein sequence and biophysical properties (such as structural, functional, and spatial information, amino acid conservation, physicochemical variation, residue mobility, and thermodynamic stability) performed at Invitae indicates that this missense variant is not expected to disrupt CREBBP protein function. This variant has not been reported in the literature in individuals affected with CREBBP-related conditions. This variant is not present in population databases (gnomAD no frequency). This sequence change replaces alanine, which is neutral and non-polar, with glycine, which is neutral and non-polar, at codon 909 of the CREBBP protein (p.Ala909Gly). In summary, the available evidence is currently insufficient to determine the role of this variant in disease. Therefore, it has been classified as a Variant of Uncertain Significance.